The following is an entry in ClinVar:

ClinVar aggregate classification (germline): Uncertain significance (1 of 4 stars; one submission).

Conditions:
Epidermolysis bullosa simplex 3, localized or generalized intermediate, with BP230 deficiency (EBS3). Also called: Epidermolysis bullosa simplex, autosomal recessive 2; Epidermolysis bullosa simplex due to BP230 deficiency. Identifiers: Orphanet 412181, MedGen C3809470, MONDO:0014180, OMIM 615425.
Hereditary sensory and autonomic neuropathy type 6. Also called: Neuropathy, hereditary sensory and autonomic, type VI; HSAN VI. Identifiers: Orphanet 314381, MedGen C3539003, MONDO:0013839, OMIM 614653.

Allele frequency attached by ClinVar (database versions not stated): gnomAD exomes below 0.00001; gnomAD 0.00001; TOPMed 0.00001.
gnomAD v4.1: 2 of 1,613,476 alleles (0.00012%); highest among the groups gnomAD compares: East Asian, 0.0022%; no homozygotes.

Submission:

Labcorp Genetics (formerly Invitae), Labcorp
Classification: Uncertain significance for Epidermolysis bullosa simplex 3, localized or generalized intermediate, with BP230 deficiency; Hereditary sensory and autonomic neuropathy type 6. Last evaluated: 2021-12-27. Review status: criteria provided, single submitter. Criteria: Invitae Variant Classification Sherloc (09022015). Collection method: clinical testing. Allele origin: germline.
Comment: The DST gene has multiple clinically relevant transcripts. This variant occurs in alternate transcript NM_015548.4, and corresponds to NM_001723.5:c.*108839A>G in the primary transcript. This sequence change replaces serine, which is neutral and polar, with glycine, which is neutral and non-polar, at codon 3828 of the DST protein (p.Ser3828Gly). This variant is present in population databases (no rsID available, gnomAD 0.007%). This variant has not been reported in the literature in individuals affected with DST-related conditions. Experimental studies and prediction algorithms are not available or were not evaluated, and the functional significance of this variant is currently unknown. In summary, the available evidence is currently insufficient to determine the role of this variant in disease. Therefore, it has been classified as a Variant of Uncertain Significance.

NM_001374736.1(DST):c.19351A>G (p.Ser6451Gly)

Gene: DST (dystonin; minus strand). Cytogenetic location: 6p12.1.
Variant type: single nucleotide variant.
Coding change: c.19351A>G on transcript NM_001374736.1 (MANE Select); coding-DNA position 19351, A replaced by G.
Protein change: p.Ser6451Gly; replaces serine 6451 with glycine.
Molecular consequence: missense variant.
Genome position (GRCh38, 1-based): chr6:56,506,678, T>C on the plus strand (A>G on the coding strand, the complement: DST is on the minus strand). VCF-style: chr6-56506678-T-C. GRCh37 (hg19) VCF-style: chr6-56371476-T-C.
Other names: c.12994A>G, p.Ser4332Gly (NM_001144769.5); c.12580A>G, p.Ser4194Gly (NM_001144770.2); c.19351A>G, p.Ser6451Gly (NM_001374722.1); c.18391A>G, p.Ser6131Gly (NM_001374729.1); c.12133A>G, p.Ser4045Gly (NM_001374730.1); c.19378A>G, p.Ser6460Gly (NM_001374734.1); c.12460A>G, p.Ser4154Gly (NM_001386100.1, NM_183380.4); c.11482A>G, p.Ser3828Gly (NM_015548.5); short protein forms S3828G, S6131G, S6451G, S4194G, S6460G, S4045G, S4154G, S4332G.
Identifiers: ClinVar variation 2163250 (VCV002163250.1), dbSNP rs984325617, ClinGen allele CA139195155.
Genomic context (GRCh38, chr6:56,506,678, plus strand): 5'-TTAACTAAAAACTTTTTAAAAGCCATTCTGATAAGTAAGCCAGTTGTACCTCATCTATAC[T>C]CTTCTTGACAATGGGTTTATCAGGCTCCCCACATGCCGCAATGAGTTCAGAACCTAGGTT-3'
Protein context (NP_001361665.1, residues 6441-6461): GEPDKPIVKK[Ser6451Gly]IDELNSAWDS